The following is an entry in ClinVar:

NM_001002295.2(GATA3):c.737G>C (p.Gly246Ala)

Gene: GATA3 (GATA binding protein 3; plus strand). Cytogenetic location: 10p14.
Variant type: single nucleotide variant.
Coding change: c.737G>C on transcript NM_001002295.2 (MANE Select); coding-DNA position 737, G replaced by C.
Protein change: p.Gly246Ala; replaces glycine 246 with alanine.
Molecular consequence: missense variant.
Genome position (GRCh38, 1-based): chr10:8,058,800, G>C. VCF-style: chr10-8058800-G-C. GRCh37 (hg19) VCF-style: chr10-8100763-G-C.
Other names: c.737G>C, p.Gly246Ala (NM_002051.3); short protein forms G246A.
Identifiers: ClinVar variation 134470 (VCV000134470.21), dbSNP rs548018172, ClinGen allele CA159916.

ClinVar aggregate classification (germline): Benign/Likely benign. Review status: criteria provided, multiple submitters, no conflicts (2 of 4 stars). 5 submissions from 5 submitters: Benign (2); Likely benign (2). 1 of the submissions does not count toward it. Last evaluated 2025-10-14.

Conditions:
Hypoparathyroidism, deafness, renal disease syndrome (HDRS). Also called: HYPOPARATHYROIDISM, SENSORINEURAL DEAFNESS, AND RENAL DYSPLASIA SYNDROME. Identifiers: Orphanet 2237, MedGen C1840333, MONDO:0007797, OMIM 146255.

Allele frequency attached by ClinVar (database versions not stated): gnomAD 0.00001 and 0.00021; TOPMed 0.00003; gnomAD exomes 0.00040 and 0.00087; ExAC 0.00091; 1000 Genomes Project 0.00160; 1000 Genomes Project 30x 0.00172.

Submissions (5):

Labcorp Genetics (formerly Invitae), Labcorp
Classification: Likely benign. Last evaluated: 2025-10-14. Review status: criteria provided, single submitter. Criteria: Invitae Variant Classification Sherloc (09022015). Collection method: clinical testing. Allele origin: germline.

Blueprint Genetics
Classification: Likely benign. Last evaluated: 2024-09-30. Review status: criteria provided, single submitter. Criteria: ACMG Guidelines, 2015. Collection method: clinical testing. Allele origin: germline.

GeneDx
Classification: Benign. Last evaluated: 2021-08-27. Review status: criteria provided, single submitter. Criteria: GeneDx Variant Classification Process June 2021. Collection method: clinical testing. Allele origin: germline. Affected: yes.

Illumina Laboratory Services, Illumina
Classification: Benign for Hypoparathyroidism, deafness, renal disease syndrome. Last evaluated: 2018-01-12. Review status: criteria provided, single submitter. Criteria: ICSL Variant Classification Criteria 13 December 2019. Collection method: clinical testing. Allele origin: germline.
Comment: This variant was observed in the ICSL laboratory as part of a predisposition screen in an ostensibly healthy population. It had not been previously curated by ICSL or reported in the Human Gene Mutation Database (HGMD: prior to June 1st, 2018), and was therefore a candidate for classification through an automated scoring system. Utilizing variant allele frequency, disease prevalence and penetrance estimates, and inheritance mode, an automated score was calculated to assess if this variant is too frequent to cause the disease. Based on the score and internal cut-off values, a variant classified as benign is not then subjected to further curation. The score for this variant resulted in a classification of benign for this disease.

ITMI
No classification provided. Condition: AllHighlyPenetrant. Last evaluated: 2013-09-19. Review status: no classification provided. Collection method: reference population. Allele origin: germline. Not counted in ClinVar's aggregate classification.
Comment: Please see associated publication for description of ethnicities

Literature cited by the submitters: PubMed 24728327 (cited by ITMI).